The following is an entry in ClinVar:

NM_001267550.2(TTN):c.40267G>T (p.Glu13423Ter)

Gene: TTN (titin; minus strand). Cytogenetic location: 2q31.2.
Variant type: single nucleotide variant.
Coding change: c.40267G>T on transcript NM_001267550.2 (MANE Select); coding-DNA position 40267, G replaced by T.
Protein change: p.Glu13423Ter; replaces glutamic acid 13423 with a stop codon.
Molecular consequence: nonsense. On other transcripts: intron variant (5).
Genome position (GRCh38, 1-based): chr2:178,646,515, C>A on the plus strand (G>T on the coding strand, the complement: TTN is on the minus strand). VCF-style: chr2-178646515-C-A. GRCh37 (hg19) VCF-style: chr2-179511242-C-A.
Other names: c.13283-4198G>T (NM_003319.4); c.13859-4198G>T (NM_133437.4); c.13658-4198G>T (NM_133432.3); c.32594-485G>T (NM_133378.4); c.35375-485G>T (NM_001256850.1); short protein forms E13423*.
Identifiers: ClinVar variation 4849587 (VCV004849587.1).

ClinVar aggregate classification (germline): Likely pathogenic (1 of 4 stars; one submission).

Conditions:
Dilated cardiomyopathy 1G (CMD1G). Identifiers: Orphanet 154, MedGen C1858763, MONDO:0011400, OMIM 604145.

Submission:

Service of Pediatric Gastrohepatology and Metabolic Diseases, University of Medicine of Tirana
Classification: Likely pathogenic for Dilated cardiomyopathy 1G. Last evaluated: 2026-04-29. Review status: criteria provided, single submitter. Criteria: ACMG Guidelines, 2015. Collection method: clinical testing. Allele origin: germline. Inheritance: Autosomal dominant inheritance. Affected: yes. Observed: 1 variant allele.
Comment: TTN c.40267G>T was classified as Likely pathogenic using ACMG/AMP 2015 criteria (PMID:25741868). Evidence considered includes PM2 for rarity/absence in population databases when reviewed, PP3 for predicted deleterious effect, gene/region relevance for TTN-related cardiomyopathy, and PP4 for phenotype consistency with dilated cardiomyopathy 1G (OMIM:604145).